The following is an entry in ClinVar:

NM_001376.5(DYNC1H1):c.1102C>T (p.Arg368Ter)

Gene: DYNC1H1 (dynein cytoplasmic 1 heavy chain 1; plus strand). Cytogenetic location: 14q32.31.
Variant type: single nucleotide variant.
Coding change: c.1102C>T on transcript NM_001376.5 (MANE Select); coding-DNA position 1102, C replaced by T.
Protein change: p.Arg368Ter; replaces arginine 368 with a stop codon.
Molecular consequence: nonsense.
Genome position (GRCh38, 1-based): chr14:101,983,159, C>T. VCF-style: chr14-101983159-C-T. GRCh37 (hg19) VCF-style: chr14-102449496-C-T.
Other names: short protein forms R368*.
Identifiers: ClinVar variation 2708142 (VCV002708142.3), dbSNP rs1177522973, ClinGen allele CA391013156.
Genomic context (GRCh38, chr14:101,983,159, plus strand): 5'-ACGGAGCTGGACAAAATAAGACAGGCGCTTGTTGCCATTTTCACACATTTGAGAAAGATC[C>T]GAAACACAAAATATCCTATTCAGAGGGCACTGCGTTTGGTGGAGGCAATTTCAAGAGACT-3'

ClinVar aggregate classification (germline): Uncertain significance (1 of 4 stars; one submission).

Conditions:
Charcot-Marie-Tooth disease axonal type 2O. Also called: Charcot-Marie-Tooth disease, axonal, type 20; CHARCOT-MARIE-TOOTH NEUROPATHY, AXONAL, TYPE 2O; CHARCOT-MARIE-TOOTH DISEASE, AXONAL, AUTOSOMAL DOMINANT, TYPE 2O; Charcot-Marie-Tooth Neuropathy Type 2O. Identifiers: Orphanet 284232, MedGen C3280220, MONDO:0013644, OMIM 614228.

Submission:

Labcorp Genetics (formerly Invitae), Labcorp
Classification: Uncertain significance for Charcot-Marie-Tooth disease axonal type 2O. Last evaluated: 2024-01-07. Review status: criteria provided, single submitter. Criteria: Invitae Variant Classification Sherloc (09022015). Collection method: clinical testing. Allele origin: germline.
Comment: This sequence change creates a premature translational stop signal (p.Arg368*) in the DYNC1H1 gene. It is expected to result in an absent or disrupted protein product. However, the current clinical and genetic evidence is not sufficient to establish whether loss-of-function variants in DYNC1H1 cause disease. This variant is present in population databases (no rsID available, gnomAD 0.0009%). This variant has not been reported in the literature in individuals affected with DYNC1H1-related conditions. In summary, the available evidence is currently insufficient to determine the role of this variant in disease. Therefore, it has been classified as a Variant of Uncertain Significance.